The following is an entry in ClinVar:

NM_138348.6(OTULIN):c.260A>G (p.Asp87Gly)

Gene: OTULIN (OTU deubiquitinase with linear linkage specificity; plus strand). Cytogenetic location: 5p15.2.
Variant type: single nucleotide variant.
Coding change: c.260A>G on transcript NM_138348.6 (MANE Select); coding-DNA position 260, A replaced by G.
Protein change: p.Asp87Gly; replaces aspartic acid 87 with glycine.
Molecular consequence: missense variant.
Genome position (GRCh38, 1-based): chr5:14,678,711, A>G. VCF-style: chr5-14678711-A-G. GRCh37 (hg19) VCF-style: chr5-14678820-A-G.
Other names: short protein forms D87G.
Identifiers: ClinVar variation 4822337 (VCV004822337.4).

ClinVar aggregate classification (germline): Uncertain significance (1 of 4 stars; one submission).

Submission:

CeGaT Center for Human Genetics Tuebingen
Classification: Uncertain significance. Last evaluated: 2026-03-01. Review status: criteria provided, single submitter. Criteria: CeGaT Center For Human Genetics Tuebingen Variant Classification Criteria Version 2. Collection method: clinical testing. Allele origin: germline. Affected: yes. Observed: 1 variant allele.
Comment: OTULIN: PM2